The following is an entry in ClinVar:

NM_001184880.2(PCDH19):c.1996C>G (p.Leu666Val)

Gene: PCDH19 (protocadherin 19; minus strand). Cytogenetic location: Xq22.1.
Variant type: single nucleotide variant.
Coding change: c.1996C>G on transcript NM_001184880.2 (MANE Select); coding-DNA position 1996, C replaced by G.
Protein change: p.Leu666Val; replaces leucine 666 with valine.
Molecular consequence: missense variant.
Genome position (GRCh38, 1-based): chrX:100,406,602, G>C on the plus strand (C>G on the coding strand, the complement: PCDH19 is on the minus strand). VCF-style: chrX-100406602-G-C. GRCh37 (hg19) VCF-style: chrX-99661600-G-C.
Other names: c.1996C>G, p.Leu666Val (NM_001105243.2, NM_020766.3); short protein forms L666V.
Identifiers: ClinVar variation 1431285 (VCV001431285.8), dbSNP rs2147537309, ClinGen allele CA414001517.

ClinVar aggregate classification (germline): Uncertain significance (1 of 4 stars; one submission).

Conditions:
Developmental and epileptic encephalopathy, 9 (DEE9). Also called: Early infantile epileptic encephalopathy 9; EPILEPSY, FEMALE-RESTRICTED, WITH MENTAL RETARDATION; JUBERG-HELLMAN SYNDROME; PCDH19-Related X-Linked Female-Limited Epilepsy with Mental Retardation. Identifiers: Orphanet 101039, Orphanet 2076, MedGen C1848137, MONDO:0010246, OMIM 300088. Disease mechanism: loss of function.

Submission:

Labcorp Genetics (formerly Invitae), Labcorp
Classification: Uncertain significance for Developmental and epileptic encephalopathy, 9. Last evaluated: 2024-01-29. Review status: criteria provided, single submitter. Criteria: Invitae Variant Classification Sherloc (09022015). Collection method: clinical testing. Allele origin: germline.
Comment: This sequence change replaces leucine, which is neutral and non-polar, with valine, which is neutral and non-polar, at codon 666 of the PCDH19 protein (p.Leu666Val). This variant is not present in population databases (gnomAD no frequency). This variant has not been reported in the literature in individuals affected with PCDH19-related conditions. ClinVar contains an entry for this variant (Variation ID: 1431285). Advanced modeling of protein sequence and biophysical properties (such as structural, functional, and spatial information, amino acid conservation, physicochemical variation, residue mobility, and thermodynamic stability) performed at Invitae indicates that this missense variant is not expected to disrupt PCDH19 protein function with a negative predictive value of 95%. In summary, the available evidence is currently insufficient to determine the role of this variant in disease. Therefore, it has been classified as a Variant of Uncertain Significance.